The following is an entry in ClinVar:

NM_005477.3(HCN4):c.1649G>A (p.Arg550His)

Gene: HCN4 (hyperpolarization activated cyclic nucleotide gated potassium channel 4; minus strand). Cytogenetic location: 15q24.1.
Variant type: single nucleotide variant.
Coding change: c.1649G>A on transcript NM_005477.3 (MANE Select); coding-DNA position 1649, G replaced by A.
Protein change: p.Arg550His; replaces arginine 550 with histidine.
Molecular consequence: missense variant.
Genome position (GRCh38, 1-based): chr15:73,325,386, C>T on the plus strand (G>A on the coding strand, the complement: HCN4 is on the minus strand). VCF-style: chr15-73325386-C-T. GRCh37 (hg19) VCF-style: chr15-73617727-C-T.
Other names: short protein forms R550H.
Identifiers: ClinVar variation 3707650 (VCV003707650.2).

ClinVar aggregate classification (germline): Uncertain significance (1 of 4 stars; one submission).

Conditions:
Brugada syndrome 8 (BRGDA8). Identifiers: Orphanet 130, MedGen C2751083, MONDO:0013148, OMIM 613123.

gnomAD v4.1: 6 of 1,613,998 alleles (0.00037%); highest among the groups gnomAD compares: East Asian, 0.0022%; no homozygotes.

Submission:

Labcorp Genetics (formerly Invitae), Labcorp
Classification: Uncertain significance for Brugada syndrome 8. Last evaluated: 2024-07-27. Review status: criteria provided, single submitter. Criteria: Invitae Variant Classification Sherloc (09022015). Collection method: clinical testing. Allele origin: germline.
Comment: This sequence change replaces arginine, which is basic and polar, with histidine, which is basic and polar, at codon 550 of the HCN4 protein (p.Arg550His). This variant is present in population databases (no rsID available, gnomAD 0.006%). This missense change has been observed in individual(s) with clinical features of HCN4-related conditions (PMID: 30196304). Advanced modeling of protein sequence and biophysical properties (such as structural, functional, and spatial information, amino acid conservation, physicochemical variation, residue mobility, and thermodynamic stability) performed at Invitae indicates that this missense variant is not expected to disrupt HCN4 protein function with a negative predictive value of 80%. Experimental studies have shown that this missense change affects HCN4 function (PMID: 30196304). In summary, the available evidence is currently insufficient to determine the role of this variant in disease. Therefore, it has been classified as a Variant of Uncertain Significance.

Literature cited by the submitters: PubMed 30196304.